The following is an entry in ClinVar:

NM_006648.4(WNK2):c.1052C>T (p.Ala351Val)

Gene: WNK2 (WNK lysine deficient protein kinase 2; plus strand). Cytogenetic location: 9q22.31.
Variant type: single nucleotide variant.
Coding change: c.1052C>T on transcript NM_006648.4 (MANE Select); coding-DNA position 1052, C replaced by T.
Protein change: p.Ala351Val; replaces alanine 351 with valine.
Molecular consequence: missense variant.
Genome position (GRCh38, 1-based): chr9:93,231,085, C>T. VCF-style: chr9-93231085-C-T. GRCh37 (hg19) VCF-style: chr9-95993367-C-T.
Other names: c.1052C>T, p.Ala351Val (NM_001282394.3); short protein forms A351V.
Identifiers: ClinVar variation 4826255 (VCV004826255.1).

ClinVar aggregate classification (germline): Uncertain significance (1 of 4 stars; one submission).

Submission:

Ambry Genetics
Classification: Uncertain significance. Last evaluated: 2026-03-12. Review status: criteria provided, single submitter. Criteria: Ambry Variant Classification Scheme 2023. Collection method: clinical testing. Allele origin: germline.
Comment: The p.A351V variant (also known as c.1052C>T), located in coding exon 3 of the WNK2 gene, results from a C to T substitution at nucleotide position 1052. The alanine at codon 351 is replaced by valine, an amino acid with similar properties. This amino acid position is conserved. In addition, the in silico prediction for this alteration is inconclusive. Based on the available evidence, the clinical significance of this variant remains unclear.